The following is an entry in ClinVar:

ClinVar aggregate classification (germline): Likely benign. Review status: criteria provided, multiple submitters, no conflicts (2 of 4 stars). 5 submissions from 5 submitters: Likely benign (5). Last evaluated 2025-12-24.

Conditions:
Hereditary cancer-predisposing syndrome. Also called: Hereditary Cancer Syndrome; Tumor predisposition; Hereditary neoplastic syndrome; Neoplastic Syndromes, Hereditary. Identifiers: Orphanet 140162, MedGen C0027672, MeSH D009386, MONDO:0015356.

Allele frequency attached by ClinVar (database versions not stated): TOPMed 0.00001.
gnomAD v4.1: 35 of 1,612,212 alleles (0.0022%); highest among the groups gnomAD compares: Non-Finnish European, 0.003%; no homozygotes.

Submissions (5):

Labcorp Genetics (formerly Invitae), Labcorp
Classification: Likely benign. Last evaluated: 2025-12-24. Review status: criteria provided, single submitter. Criteria: Invitae Variant Classification Sherloc (09022015). Collection method: clinical testing. Allele origin: germline.

Quest Diagnostics Nichols Institute San Juan Capistrano
Classification: Likely benign. Last evaluated: 2025-09-04. Review status: criteria provided, single submitter. Criteria: Quest Diagnostics criteria. Collection method: clinical testing. Allele origin: unknown.

Center for Genomic Medicine, Rigshospitalet, Copenhagen University Hospital
Classification: Likely benign. Last evaluated: 2025-03-04. Review status: criteria provided, single submitter. Criteria: ACMG Guidelines, 2015. Collection method: clinical testing. Allele origin: germline.

CeGaT Center for Human Genetics Tuebingen
Classification: Likely benign. Last evaluated: 2024-11-01. Review status: criteria provided, single submitter. Criteria: CeGaT Center For Human Genetics Tuebingen Variant Classification Criteria Version 2. Collection method: clinical testing. Allele origin: germline. Affected: yes. Observed: 1 variant allele.
Comment: MSH3: BP4, BP7

Ambry Genetics
Classification: Likely benign for Hereditary cancer-predisposing syndrome. Last evaluated: 2018-12-31. Review status: criteria provided, single submitter. Criteria: Ambry Variant Classification Scheme 2023. Collection method: clinical testing. Allele origin: germline.

NM_002439.5(MSH3):c.3027C>T (p.Thr1009=)

Gene: MSH3 (mutS homolog 3; plus strand). Cytogenetic location: 5q14.1.
Variant type: single nucleotide variant.
Coding change: c.3027C>T on transcript NM_002439.5 (MANE Select); coding-DNA position 3027, C replaced by T.
Protein change: p.Thr1009=; no amino-acid change (threonine 1009 retained).
Molecular consequence: synonymous variant.
Genome position (GRCh38, 1-based): chr5:80,864,839, C>T. VCF-style: chr5-80864839-C-T. GRCh37 (hg19) VCF-style: chr5-80160658-C-T.
Identifiers: ClinVar variation 758771 (VCV000758771.31), dbSNP rs145319344, ClinGen allele CA445224418.
Genomic context (GRCh38, chr5:80,864,839, plus strand): 5'-ATGAAATAACATTTATTCTGTCTTATTGCTTTAGGTGAAATCCTTAACCCTGTTTGTCAC[C>T]CATTATCCGCCAGTTTGTGAACTAGAAAAAAATTACTCACACCAGGTGGGGAATTACCAC-3'
Protein context (NP_002430.3, residues 999-1019): RDVKSLTLFV[Thr1009=]HYPPVCELEK